The following is an entry in ClinVar:

NM_153614.4(DNAJB13):c.696C>T (p.Phe232=)

Gene: DNAJB13 (DnaJ heat shock protein family (Hsp40) member B13; plus strand). Cytogenetic location: 11q13.4.
Variant type: single nucleotide variant.
Coding change: c.696C>T on transcript NM_153614.4 (MANE Select); coding-DNA position 696, C replaced by T.
Protein change: p.Phe232=; no amino-acid change (phenylalanine 232 retained).
Molecular consequence: synonymous variant.
Genome position (GRCh38, 1-based): chr11:73,968,434, C>T. VCF-style: chr11-73968434-C-T. GRCh37 (hg19) VCF-style: chr11-73679479-C-T.
Other names: c.696C>T (NM_153614.3); c.522C>T, p.Phe174= (NM_001377263.1).
Identifiers: ClinVar variation 2711744 (VCV002711744.5), dbSNP rs761199020, ClinGen allele CA6180862.

ClinVar aggregate classification (germline): Likely benign. Review status: criteria provided, single submitter (1 of 4 stars). 2 submissions from 2 submitters: Likely benign (1). 1 of the submissions does not count toward it. Last evaluated 2025-12-16.

Conditions:
DNAJB13-related disorder. Also called: DNAJB13-related condition.

Allele frequency attached by ClinVar (database versions not stated): gnomAD 0.00001; ExAC 0.00002; gnomAD exomes 0.00002; TOPMed 0.00006.
gnomAD v4.1: 30 of 1,613,904 alleles (0.0019%); highest among the groups gnomAD compares: Admixed American, 0.018%; no homozygotes.

Submissions (2):

Labcorp Genetics (formerly Invitae), Labcorp
Classification: Likely benign. Last evaluated: 2025-12-16. Review status: criteria provided, single submitter. Criteria: Invitae Variant Classification Sherloc (09022015). Collection method: clinical testing. Allele origin: germline.

PreventionGenetics, part of Exact Sciences
Classification: Likely benign for DNAJB13-related condition. Last evaluated: 2022-07-13. Review status: no assertion criteria provided. Collection method: clinical testing. Allele origin: germline. Not counted in ClinVar's aggregate classification.
Comment: This variant is classified as likely benign based on ACMG/AMP sequence variant interpretation guidelines (Richards et al. 2015 PMID: 25741868, with internal and published modifications).